The following is an entry in ClinVar:

NM_007254.4(PNKP):c.47del (p.Pro16fs)

Gene: PNKP (polynucleotide kinase 3'-phosphatase; minus strand). Cytogenetic location: 19q13.33.
Variant type: Deletion.
Coding change: c.47del on transcript NM_007254.4 (MANE Select); coding-DNA position 47, one base deleted (C; older notation c.47delC).
Protein change: p.Pro16fs; shifts the reading frame from proline 16.
Molecular consequence: frameshift variant.
Genome position (GRCh38, 1-based): chr19:49,867,158, G deleted on the plus strand (C on the coding strand, the reverse complement: PNKP is on the minus strand); the first of 6 consecutive G bases (chr19:49,867,158-49,867,163); deleting any one gives the same sequence. VCF-style (leftmost placement, unchanged base first): chr19-49867157-AG-A. GRCh37 (hg19) VCF-style: chr19-50370414-AG-A.
Other names: short protein forms P16fs.
Identifiers: ClinVar variation 947000 (VCV000947000.8), dbSNP rs1246416070, ClinGen allele CA633651464.
Genomic context (GRCh38, chr19:49,867,157, plus strand): 5'-TCCCCTGCCCAGGACCAGGGCTTGCCCGTCCGAGGGCAGGAAGATGGGGGGCGCTCCCCC[AG>A]GGGGGCTCTCGAGCCACAAGCGGCCCGGGGCCTCCACCTCGCCCATCCTGGGTGCCGGCC-3'

ClinVar aggregate classification (germline): Pathogenic (1 of 4 stars; one submission).

Conditions:
Developmental and epileptic encephalopathy, 12 (DEE12). Identifiers: MedGen C3150988, MONDO:0013389, OMIM 613722.

Submission:

Labcorp Genetics (formerly Invitae), Labcorp
Classification: Pathogenic for Developmental and epileptic encephalopathy, 12. Last evaluated: 2019-04-28. Review status: criteria provided, single submitter. Criteria: Invitae Variant Classification Sherloc (09022015). Collection method: clinical testing. Allele origin: germline.
Comment: This sequence change creates a premature translational stop signal (p.Pro16Leufs*23) in the PNKP gene. It is expected to result in an absent or disrupted protein product. For these reasons, this variant has been classified as Pathogenic. Loss-of-function variants in PNKP are known to be pathogenic (PMID: 20118933, 25728773). This variant has not been reported in the literature in individuals with PNKP-related conditions. This variant is not present in population databases (ExAC no frequency).

Literature cited by the submitters: PubMed 20118933; PubMed 25728773.